The following is an entry in ClinVar:

NM_004928.3(CFAP410):c.380C>T (p.Thr127Met)

Gene: CFAP410 (cilia and flagella associated protein 410; minus strand). Cytogenetic location: 21q22.3.
Variant type: single nucleotide variant.
Coding change: c.380C>T on transcript NM_004928.3 (MANE Select); coding-DNA position 380, C replaced by T.
Protein change: p.Thr127Met; replaces threonine 127 with methionine.
Molecular consequence: missense variant.
Genome position (GRCh38, 1-based): chr21:44,332,008, G>A on the plus strand (C>T on the coding strand, the complement: CFAP410 is on the minus strand). VCF-style: chr21-44332008-G-A. GRCh37 (hg19) VCF-style: chr21-45751891-G-A.
Other names: c.380C>T (NM_004928.2); c.380C>T, p.Thr127Met (NM_001271440.2, NM_001271441.2); c.257C>T, p.Thr86Met (NM_001271442.1); short protein forms T86M, T127M.
Identifiers: ClinVar variation 1029273 (VCV001029273.7), dbSNP rs777397625, ClinGen allele CA10053690.

ClinVar aggregate classification (germline): Uncertain significance. Review status: criteria provided, multiple submitters, no conflicts (2 of 4 stars). 4 submissions from 4 submitters: Uncertain significance (4). Last evaluated 2026-08-18.

Conditions:
CFAP410-related disorder. Also called: CFAP410-related condition.
Retinal dystrophy with or without macular staphyloma. Identifiers: Orphanet 653709, MedGen C4479651, MONDO:0060507, OMIM 617547.

Allele frequency attached by ClinVar (database versions not stated): gnomAD 0.00006; gnomAD exomes 0.00009; TOPMed 0.00009; ExAC 0.00012.
gnomAD v4.1: 55 of 1,598,782 alleles (0.0034%); highest among the groups gnomAD compares: Admixed American, 0.012%; no homozygotes.

Submissions (4):

PreventionGenetics, part of Exact Sciences
Classification: Uncertain significance for CFAP410-related condition. Last evaluated: 2026-08-18. Review status: criteria provided, single submitter. Criteria: ACMG Guidelines, 2015. Collection method: clinical testing. Allele origin: germline.
Comment: The CFAP410 c.380C>T variant is predicted to result in the amino acid substitution p.Thr127Met. To our knowledge, this variant has not been reported in the literature. This variant is reported in 0.015% of alleles in individuals of Latino descent in gnomAD. At this time, the clinical significance of this variant is uncertain due to the absence of conclusive functional and genetic evidence.

Blueprint Genetics
Classification: Uncertain significance. Last evaluated: 2024-09-10. Review status: criteria provided, single submitter. Criteria: ACMG Guidelines, 2015. Collection method: clinical testing. Allele origin: germline.

Labcorp Genetics (formerly Invitae), Labcorp
Classification: Uncertain significance. Last evaluated: 2022-09-23. Review status: criteria provided, single submitter. Criteria: Invitae Variant Classification Sherloc (09022015). Collection method: clinical testing. Allele origin: germline.
Comment: This sequence change replaces threonine, which is neutral and polar, with methionine, which is neutral and non-polar, at codon 127 of the CFAP410 protein (p.Thr127Met). This variant is present in population databases (rs777397625, gnomAD 0.01%). This variant has not been reported in the literature in individuals affected with CFAP410-related conditions. ClinVar contains an entry for this variant (Variation ID: 1029273). Advanced modeling of protein sequence and biophysical properties (such as structural, functional, and spatial information, amino acid conservation, physicochemical variation, residue mobility, and thermodynamic stability) performed at Invitae indicates that this missense variant is expected to disrupt CFAP410 protein function. In summary, the available evidence is currently insufficient to determine the role of this variant in disease. Therefore, it has been classified as a Variant of Uncertain Significance.

Baylor Genetics
Classification: Uncertain significance for Retinal dystrophy with or without macular staphyloma. Last evaluated: 2020-01-15. Review status: criteria provided, single submitter. Criteria: ACMG Guidelines, 2015. Collection method: clinical testing. Allele origin: paternal. Affected: yes.
Comment: This variant was determined to be of uncertain significance according to ACMG Guidelines, 2015 [PMID:25741868].